The following is an entry in ClinVar:

NM_000363.5(TNNI3):c.595A>T (p.Ser199Cys)

Gene: TNNI3 (troponin I3, cardiac type; minus strand). Cytogenetic location: 19q13.42.
Variant type: single nucleotide variant.
Coding change: c.595A>T on transcript NM_000363.5 (MANE Select); coding-DNA position 595, A replaced by T.
Protein change: p.Ser199Cys; replaces serine 199 with cysteine.
Molecular consequence: missense variant.
Genome position (GRCh38, 1-based): chr19:55,151,872, T>A on the plus strand (A>T on the coding strand, the complement: TNNI3 is on the minus strand). VCF-style: chr19-55151872-T-A. GRCh37 (hg19) VCF-style: chr19-55663240-T-A.
Other names: short protein forms S199C.
Identifiers: ClinVar variation 1018432 (VCV001018432.10), dbSNP rs2085696801, ClinGen allele CA407439519.

ClinVar aggregate classification (germline): Conflicting classifications of pathogenicity. Review status: criteria provided, conflicting classifications (1 of 4 stars). 2 submissions from 2 submitters: Likely pathogenic (1); Uncertain significance (1). Last evaluated 2024-09-18.

Conditions:
Cardiovascular phenotype. Identifiers: MedGen CN230736.
Hypertrophic cardiomyopathy. Also called: HYPERTROPHIC MYOCARDIOPATHY. Identifiers: Orphanet 217569, MedGen C0007194, MeSH D002312, MONDO:0005045, HP:0001639.

Submissions (2):

Labcorp Genetics (formerly Invitae), Labcorp
Classification: Uncertain significance for Hypertrophic cardiomyopathy. Last evaluated: 2024-09-18. Review status: criteria provided, single submitter. Criteria: Invitae Variant Classification Sherloc (09022015). Collection method: clinical testing. Allele origin: germline.
Comment: This sequence change replaces serine, which is neutral and polar, with cysteine, which is neutral and slightly polar, at codon 199 of the TNNI3 protein (p.Ser199Cys). This variant is not present in population databases (gnomAD no frequency). This variant has not been reported in the literature in individuals affected with TNNI3-related conditions. ClinVar contains an entry for this variant (Variation ID: 1018432). An algorithm developed to predict the effect of missense changes on protein structure and function (PolyPhen-2) suggests that this variant is likely to be disruptive. This variant disrupts the p.Ser199 amino acid residue in TNNI3. Other variant(s) that disrupt this residue have been determined to be pathogenic (PMID: 15607392, 16335287, 19035361). This suggests that this residue is clinically significant, and that variants that disrupt this residue are likely to be disease-causing. In summary, the available evidence is currently insufficient to determine the role of this variant in disease. Therefore, it has been classified as a Variant of Uncertain Significance.

Ambry Genetics
Classification: Likely pathogenic for Cardiovascular phenotype. Last evaluated: 2020-02-10. Review status: criteria provided, single submitter. Criteria: Ambry Variant Classification Scheme 2023. Collection method: clinical testing. Allele origin: germline.
Comment: The p.S199C variant (also known as c.595A>T), located in coding exon 8 of the TNNI3 gene, results from an A to T substitution at nucleotide position 595. The serine at codon 199 is replaced by cysteine, an amino acid with dissimilar properties. Alterations affecting the same amino acid, p.S199N (c.596G>A) and p.S199G (c.595A>G), have been reported in association with hypertrophic cardiomyopathy (HCM), and p.S199N has been shown to segregate with disease in affected family members (Mogensen J et al. J. Am. Coll. Cardiol., 2004 Dec;44:2315-25; Brito D et al. Rev Port Cardiol, 2005 Sep;24:1137-46). Based on internal structural assessment, this alteration results in loss of a functionally important phosphorylation site (Wijnker PJ et al. J. Mol. Cell. Cardiol., 2015 May;82:93-103). This variant was not reported in population-based cohorts in the Genome Aggregation Database (gnomAD). This amino acid position is well conserved in available vertebrate species. In addition, the in silico prediction for this alteration is inconclusive. Based on the majority of available evidence to date, this variant is likely to be pathogenic.

Literature cited by the submitters: PubMed 15607392 (cited by Labcorp Genetics (formerly Invitae), Labcorp); PubMed 16335287 (cited by Labcorp Genetics (formerly Invitae), Labcorp); PubMed 19035361 (cited by Labcorp Genetics (formerly Invitae), Labcorp); PubMed 25771144 (cited by Ambry Genetics).